The following is an entry in ClinVar:

ClinVar aggregate classification (germline): Uncertain significance (1 of 4 stars; one submission).

Allele frequency attached by ClinVar (database versions not stated): TOPMed below 0.00001; ExAC 0.00001; gnomAD 0.00001; ESP Exome Variant Server 0.00008.
gnomAD v4.1: 30 of 1,614,132 alleles (0.0019%); highest among the groups gnomAD compares: Non-Finnish European, 0.0025%; no homozygotes.

Submission:

Labcorp Genetics (formerly Invitae), Labcorp
Classification: Uncertain significance. Last evaluated: 2022-11-08. Review status: criteria provided, single submitter. Criteria: Invitae Variant Classification Sherloc (09022015). Collection method: clinical testing. Allele origin: germline.
Comment: In summary, the available evidence is currently insufficient to determine the role of this variant in disease. Therefore, it has been classified as a Variant of Uncertain Significance. Algorithms developed to predict the effect of missense changes on protein structure and function (SIFT, PolyPhen-2, Align-GVGD) all suggest that this variant is likely to be tolerated. This variant has not been reported in the literature in individuals affected with C1QA-related conditions. This variant is present in population databases (rs367674617, gnomAD 0.002%). This sequence change replaces asparagine, which is neutral and polar, with lysine, which is basic and polar, at codon 194 of the C1QA protein (p.Asn194Lys).

NM_015991.4(C1QA):c.582C>A (p.Asn194Lys)

Gene: C1QA (complement C1q A chain; plus strand). Cytogenetic location: 1p36.12.
Variant type: single nucleotide variant.
Coding change: c.582C>A on transcript NM_015991.4 (MANE Select); coding-DNA position 582, C replaced by A.
Protein change: p.Asn194Lys; replaces asparagine 194 with lysine.
Molecular consequence: missense variant.
Genome position (GRCh38, 1-based): chr1:22,639,251, C>A. VCF-style: chr1-22639251-C-A. GRCh37 (hg19) VCF-style: chr1-22965744-C-A.
Other names: c.582C>A, p.Asn194Lys (NM_001347465.2, NM_001347466.2); short protein forms N194K.
Identifiers: ClinVar variation 1928813 (VCV001928813.3), dbSNP rs367674617, ClinGen allele CA677800.